The following is an entry in ClinVar:

NM_003321.5(TUFM):c.409G>A (p.Val137Ile)

Gene: TUFM (Tu translation elongation factor, mitochondrial; minus strand). Cytogenetic location: 16p11.2.
Variant type: single nucleotide variant.
Coding change: c.409G>A on transcript NM_003321.5 (MANE Select); coding-DNA position 409, G replaced by A.
Protein change: p.Val137Ile; replaces valine 137 with isoleucine.
Molecular consequence: missense variant.
Genome position (GRCh38, 1-based): chr16:28,845,319, C>T on the plus strand (G>A on the coding strand, the complement: TUFM is on the minus strand). VCF-style: chr16-28845319-C-T. GRCh37 (hg19) VCF-style: chr16-28856640-C-T.
Other names: c.409G>A, p.Val137Ile (NM_001365360.2); short protein forms V137I.
Identifiers: ClinVar variation 1940157 (VCV001940157.5), dbSNP rs2544831832, ClinGen allele CA395417965.
Genomic context (GRCh38, chr16:28,845,319, plus strand): 5'-TATCCTGACAAGAGGCAGCTTCTGGCCCTGTCTCCAGTGTCCCAGCAACCCTCACCTTAA[C>T]ATAATCTGCATGACCCGGGCAGTCTGTGTGGGCGTAGTGGCGGGCGGCAGTGCTATACTC-3'
Protein context (NP_003312.3, residues 127-147): HTDCPGHADY[Val137Ile]KNMITGTAPL

ClinVar aggregate classification (germline): Uncertain significance (1 of 4 stars; one submission).

Submission:

Labcorp Genetics (formerly Invitae), Labcorp
Classification: Uncertain significance. Last evaluated: 2022-01-04. Review status: criteria provided, single submitter. Criteria: Invitae Variant Classification Sherloc (09022015). Collection method: clinical testing. Allele origin: germline.
Comment: This variant has not been reported in the literature in individuals affected with TUFM-related conditions. Algorithms developed to predict the effect of missense changes on protein structure and function output the following: SIFT: "Tolerated"; PolyPhen-2: "Benign"; Align-GVGD: "Class C0". The isoleucine amino acid residue is found in multiple mammalian species, which suggests that this missense change does not adversely affect protein function. This variant is not present in population databases (gnomAD no frequency). In summary, the available evidence is currently insufficient to determine the role of this variant in disease. Therefore, it has been classified as a Variant of Uncertain Significance. This sequence change replaces valine, which is neutral and non-polar, with isoleucine, which is neutral and non-polar, at codon 137 of the TUFM protein (p.Val137Ile).